The following is an entry in ClinVar:

NM_000038.6(APC):c.919C>T (p.His307Tyr)

Gene: APC (APC regulator of Wnt signaling pathway; plus strand). Cytogenetic location: 5q22.2.
Variant type: single nucleotide variant.
Coding change: c.919C>T on transcript NM_000038.6 (MANE Select); coding-DNA position 919, C replaced by T.
Protein change: p.His307Tyr; replaces histidine 307 with tyrosine.
Molecular consequence: missense variant.
Genome position (GRCh38, 1-based): chr5:112,815,579, C>T. VCF-style: chr5-112815579-C-T. GRCh37 (hg19) VCF-style: chr5-112151276-C-T.
Other names: c.919C>T, p.His307Tyr (NM_001127510.3, NM_001354895.2, NM_001354896.2 and 1 more transcripts); c.865C>T, p.His289Tyr (NM_001127511.3); c.949C>T, p.His317Tyr (NM_001354897.2, NM_001354902.2); c.844C>T, p.His282Tyr (NM_001354898.2, NM_001354904.2); c.835C>T, p.His279Tyr (NM_001354899.2); c.742C>T, p.His248Tyr (NM_001354900.2, NM_001354901.2, NM_001354905.2); c.70C>T, p.His24Tyr (NM_001354906.2); short protein forms H289Y, H307Y, H24Y, H279Y, H282Y, H317Y, H248Y.
Identifiers: ClinVar variation 482405 (VCV000482405.17), dbSNP rs1554079213, ClinGen allele CA16023323.

ClinVar aggregate classification (germline): Uncertain significance. Review status: criteria provided, multiple submitters, no conflicts (2 of 4 stars). 2 submissions from 2 submitters: Uncertain significance (2). Last evaluated 2025-09-25.

Conditions:
Hereditary cancer-predisposing syndrome. Also called: Neoplastic Syndromes, Hereditary; Tumor predisposition; Hereditary Cancer Syndrome; Hereditary neoplastic syndrome. Identifiers: Orphanet 140162, MedGen C0027672, MeSH D009386, MONDO:0015356.
Familial adenomatous polyposis 1 (FAP1). Also called: FAMILIAL ADENOMATOUS POLYPOSIS 1, ATTENUATED; POLYPOSIS, ADENOMATOUS INTESTINAL. Identifiers: MedGen C2713442, MONDO:0021056, OMIM 175100. Disease mechanism: loss of function.

Allele frequency attached by ClinVar (database versions not stated): TOPMed below 0.00001.

Submissions (2):

Labcorp Genetics (formerly Invitae), Labcorp
Classification: Uncertain significance for Familial adenomatous polyposis 1. Last evaluated: 2025-09-25. Review status: criteria provided, single submitter. Criteria: Invitae Variant Classification Sherloc (09022015). Collection method: clinical testing. Allele origin: germline.
Comment: This sequence change replaces histidine, which is basic and polar, with tyrosine, which is neutral and polar, at codon 307 of the APC protein (p.His307Tyr). This variant is not present in population databases (gnomAD no frequency). This variant has not been reported in the literature in individuals affected with APC-related conditions. ClinVar contains an entry for this variant (Variation ID: 482405). Invitae Evidence Modeling of protein sequence and biophysical properties (such as structural, functional, and spatial information, amino acid conservation, physicochemical variation, residue mobility, and thermodynamic stability) indicates that this missense variant is not expected to disrupt APC protein function with a negative predictive value of 95%. In summary, the available evidence is currently insufficient to determine the role of this variant in disease. Therefore, it has been classified as a Variant of Uncertain Significance.

Ambry Genetics
Classification: Uncertain significance for Hereditary cancer-predisposing syndrome. Last evaluated: 2023-06-08. Review status: criteria provided, single submitter. Criteria: Ambry Variant Classification Scheme 2023. Collection method: clinical testing. Allele origin: germline.
Comment: The p.H307Y variant (also known as c.919C>T), located in coding exon 8 of the APC gene, results from a C to T substitution at nucleotide position 919. The histidine at codon 307 is replaced by tyrosine, an amino acid with similar properties. This amino acid position is highly conserved in available vertebrate species. In addition, in silico predictors for this gene do not accurately predict pathogenicity. Since supporting evidence is limited at this time, the clinical significance of this alteration remains unclear.